The following is an entry in ClinVar:

NM_000540.3(RYR1):c.11348G>A (p.Ser3783Asn)

Gene: RYR1 (ryanodine receptor 1; plus strand). Cytogenetic location: 19q13.2.
Variant type: single nucleotide variant.
Coding change: c.11348G>A on transcript NM_000540.3 (MANE Select); coding-DNA position 11348, G replaced by A.
Protein change: p.Ser3783Asn; replaces serine 3783 with asparagine.
Molecular consequence: missense variant.
Genome position (GRCh38, 1-based): chr19:38,534,808, G>A. VCF-style: chr19-38534808-G-A. GRCh37 (hg19) VCF-style: chr19-39025448-G-A.
Other names: c.11333G>A, p.Ser3778Asn (NM_001042723.2); short protein forms S3783N, S3778N.
Identifiers: ClinVar variation 1465686 (VCV001465686.6), dbSNP rs1971894276, ClinGen allele CA405654861.

ClinVar aggregate classification (germline): Uncertain significance (1 of 4 stars; one submission).

Conditions:
RYR1-related disorder. Also called: RYR1-related condition; RYR1-related disorders. Identifiers: MedGen CN239331.

Submission:

Labcorp Genetics (formerly Invitae), Labcorp
Classification: Uncertain significance for RYR1-related disorder. Last evaluated: 2022-03-22. Review status: criteria provided, single submitter. Criteria: Invitae Variant Classification Sherloc (09022015). Collection method: clinical testing. Allele origin: germline.
Comment: This sequence change replaces serine, which is neutral and polar, with asparagine, which is neutral and polar, at codon 3783 of the RYR1 protein (p.Ser3783Asn). This variant is not present in population databases (gnomAD no frequency). This variant has not been reported in the literature in individuals affected with RYR1-related conditions. Advanced modeling of protein sequence and biophysical properties (such as structural, functional, and spatial information, amino acid conservation, physicochemical variation, residue mobility, and thermodynamic stability) performed at Invitae indicates that this missense variant is not expected to disrupt RYR1 protein function. In summary, the available evidence is currently insufficient to determine the role of this variant in disease. Therefore, it has been classified as a Variant of Uncertain Significance.